The following is an entry in ClinVar:

ClinVar aggregate classification (germline): Uncertain significance (1 of 4 stars; one submission).

Conditions:
Brugada syndrome. Also called: Sudden unexpected nocturnal death syndrome; Sudden Unexplained Death Syndrome; Sudden Unexplained Nocturnal Death Syndrome (SUNDS); Sudden unexplained nocturnal death syndrome. Identifiers: Orphanet 130, MedGen C1142166, MONDO:0015263.

Submission:

Labcorp Genetics (formerly Invitae), Labcorp
Classification: Uncertain significance for Brugada syndrome. Last evaluated: 2025-09-11. Review status: criteria provided, single submitter. Criteria: Invitae Variant Classification Sherloc (09022015). Collection method: clinical testing. Allele origin: germline.
Comment: This sequence change replaces glutamine, which is neutral and polar, with arginine, which is basic and polar, at codon 1439 of the SCN10A protein (p.Gln1439Arg). This variant is not present in population databases (gnomAD no frequency). This variant has not been reported in the literature in individuals affected with SCN10A-related conditions. Invitae Evidence Modeling of protein sequence and biophysical properties (such as structural, functional, and spatial information, amino acid conservation, physicochemical variation, residue mobility, and thermodynamic stability) indicates that this missense variant is expected to disrupt SCN10A protein function with a positive predictive value of 80%. In summary, the available evidence is currently insufficient to determine the role of this variant in disease. Therefore, it has been classified as a Variant of Uncertain Significance.

NM_006514.4(SCN10A):c.4316A>G (p.Gln1439Arg)

Gene: SCN10A (sodium voltage-gated channel alpha subunit 10; minus strand). Cytogenetic location: 3p22.2.
Variant type: single nucleotide variant.
Coding change: c.4316A>G on transcript NM_006514.4 (MANE Select); coding-DNA position 4316, A replaced by G.
Protein change: p.Gln1439Arg; replaces glutamine 1439 with arginine.
Molecular consequence: missense variant.
Genome position (GRCh38, 1-based): chr3:38,707,349, T>C on the plus strand (A>G on the coding strand, the complement: SCN10A is on the minus strand). VCF-style: chr3-38707349-T-C. GRCh37 (hg19) VCF-style: chr3-38748840-T-C.
Other names: c.4313A>G, p.Gln1438Arg (NM_001293306.2); c.4022A>G, p.Gln1341Arg (NM_001293307.2); short protein forms Q1438R, Q1341R, Q1439R.
Identifiers: ClinVar variation 4743307 (VCV004743307.1).